The following is an entry in ClinVar:

ClinVar aggregate classification (germline): Uncertain significance (1 of 4 stars; one submission).

Conditions:
Amyotrophic lateral sclerosis type 4 (ALS4). Also called: AMYOTROPHIC LATERAL SCLEROSIS 4, JUVENILE; NEURONOPATHY, DISTAL HEREDITARY MOTOR, WITH PYRAMIDAL FEATURES. Identifiers: Orphanet 357043, MedGen C1865409, MONDO:0011223, OMIM 602433.
Spinocerebellar ataxia, autosomal recessive, with axonal neuropathy 2 (SCAN2). Also called: ATAXIA-OCULOMOTOR APRAXIA 2; Ataxia-ocular apraxia-2; Ataxia with Oculomotor Apraxia; Ataxia with Oculomotor Apraxia Type 2. Identifiers: Orphanet 64753, MedGen C1853761, MONDO:0018996, OMIM 606002.

Allele frequency attached by ClinVar (database versions not stated): gnomAD exomes below 0.00001.
gnomAD v4.1: 1 of 1,613,974 alleles (0.000062%); highest among the groups gnomAD compares: Non-Finnish European, 0.000085%; no homozygotes.

Submission:

Labcorp Genetics (formerly Invitae), Labcorp
Classification: Uncertain significance for Amyotrophic lateral sclerosis type 4; Spinocerebellar ataxia, autosomal recessive, with axonal neuropathy 2. Last evaluated: 2022-08-21. Review status: criteria provided, single submitter. Criteria: Invitae Variant Classification Sherloc (09022015). Collection method: clinical testing. Allele origin: germline.
Comment: In summary, the available evidence is currently insufficient to determine the role of this variant in disease. Therefore, it has been classified as a Variant of Uncertain Significance. This sequence change replaces tryptophan, which is neutral and slightly polar, with cysteine, which is neutral and slightly polar, at codon 1093 of the SETX protein (p.Trp1093Cys). This variant is not present in population databases (gnomAD no frequency). This variant has not been reported in the literature in individuals affected with SETX-related conditions. Advanced modeling of protein sequence and biophysical properties (such as structural, functional, and spatial information, amino acid conservation, physicochemical variation, residue mobility, and thermodynamic stability) performed at Invitae indicates that this missense variant is expected to disrupt SETX protein function.

NM_015046.7(SETX):c.3279G>T (p.Trp1093Cys)

Gene: SETX (senataxin; minus strand). Cytogenetic location: 9q34.13.
Variant type: single nucleotide variant.
Coding change: c.3279G>T on transcript NM_015046.7 (MANE Select); coding-DNA position 3279, G replaced by T.
Protein change: p.Trp1093Cys; replaces tryptophan 1093 with cysteine.
Molecular consequence: missense variant.
Genome position (GRCh38, 1-based): chr9:132,328,319, C>A on the plus strand (G>T on the coding strand, the complement: SETX is on the minus strand). VCF-style: chr9-132328319-C-A. GRCh37 (hg19) VCF-style: chr9-135203706-C-A.
Other names: c.3279G>T, p.Trp1093Cys (NM_001351527.2, NM_001351528.2); short protein forms W1093C.
Identifiers: ClinVar variation 1930993 (VCV001930993.5), dbSNP rs2539111377, ClinGen allele CA375331094.
Genomic context (GRCh38, chr9:132,328,319, plus strand): 5'-AGGAGCCAAACATTTTTTCTCACCATCTTGAACTGAATTATTATCGTCTGGATGATCTTG[C>A]CAAACTGAAAACACTTCAGATGAACTTTCAAACTCAAAACACTGAGAATCAGATTCCTCA-3'
Protein context (NP_055861.3, residues 1083-1103): FESSSEVFSV[Trp1093Cys]QDHPDDNNSV